The following is an entry in ClinVar:

NM_001009944.3(PKD1):c.3772G>A (p.Ala1258Thr)

Gene: PKD1 (polycystin 1, transient receptor potential channel interacting; minus strand). Cytogenetic location: 16p13.3.
Variant type: single nucleotide variant.
Coding change: c.3772G>A on transcript NM_001009944.3 (MANE Select); coding-DNA position 3772, G replaced by A.
Protein change: p.Ala1258Thr; replaces alanine 1258 with threonine.
Molecular consequence: missense variant.
Genome position (GRCh38, 1-based): chr16:2,111,395, C>T on the plus strand (G>A on the coding strand, the complement: PKD1 is on the minus strand). VCF-style: chr16-2111395-C-T. GRCh37 (hg19) VCF-style: chr16-2161396-C-T.
Other names: c.3772G>A, p.Ala1258Thr (NM_000296.4); short protein forms A1258T.
Identifiers: ClinVar variation 3393640 (VCV003393640.2).
Genomic context (GRCh38, chr16:2,111,395, plus strand): 5'-TGGCCGCACCCACGGTCACTGTGCAGTTCTGTGCCCGCAGGTACACATGCTCCACTGTTG[C>T]CTCCGGGCCCGACAGCACGGTGCCGTCCCCCATGTCGAAGGTCCACGTGATGTTGTCGCC-3'
Protein context (NP_001009944.3, residues 1248-1268): GDGTVLSGPE[Ala1258Thr]TVEHVYLRAQ

ClinVar aggregate classification (germline): Uncertain significance. Review status: criteria provided, multiple submitters, no conflicts (2 of 4 stars). 2 submissions from 2 submitters: Uncertain significance (2). Last evaluated 2026-09-10.

Conditions:
PKD1-related disorder. Also called: PKD1-related condition.

gnomAD v4.1: 20 of 1,611,470 alleles (0.0012%); highest among the groups gnomAD compares: Non-Finnish European, 0.0017%; no homozygotes.

Submissions (2):

PreventionGenetics, part of Exact Sciences
Classification: Uncertain significance for PKD1-related condition. Last evaluated: 2026-09-10. Review status: criteria provided, single submitter. Criteria: ACMG Guidelines, 2015. Collection method: clinical testing. Allele origin: germline.
Comment: The PKD1 c.3772G>A variant is predicted to result in the amino acid substitution p.Ala1258Thr. To our knowledge, this variant has not been reported in the literature. This variant is reported in 0.0018% of alleles in individuals of European (Non-Finnish) descent in gnomAD. At this time, the clinical significance of this variant is uncertain due to the absence of conclusive functional and genetic evidence.

GeneDx
Classification: Uncertain significance. Last evaluated: 2024-07-01. Review status: criteria provided, single submitter. Criteria: GeneDx Variant Classification Process June 2021. Collection method: clinical testing. Allele origin: germline. Affected: yes.
Comment: Not observed at significant frequency in large population cohorts (gnomAD); In silico analysis indicates that this missense variant does not alter protein structure/function; Has not been previously published as pathogenic or benign to our knowledge